The following is an entry in ClinVar:

NM_001085049.3(MRAS):c.271G>C (p.Val91Leu)

Gene: MRAS (muscle RAS oncogene homolog; plus strand). Cytogenetic location: 3q22.3.
Variant type: single nucleotide variant.
Coding change: c.271G>C on transcript NM_001085049.3 (MANE Select); coding-DNA position 271, G replaced by C.
Protein change: p.Val91Leu; replaces valine 91 with leucine.
Molecular consequence: missense variant.
Genome position (GRCh38, 1-based): chr3:138,397,401, G>C. VCF-style: chr3-138397401-G-C. GRCh37 (hg19) VCF-style: chr3-138116243-G-C.
Other names: c.271G>C, p.Val91Leu (NM_001252090.2, NM_012219.4); c.43G>C, p.Val15Leu (NM_001252091.1, NM_001252092.2, NM_001252093.2); short protein forms V15L, V91L.
Identifiers: ClinVar variation 2135815 (VCV002135815.4), dbSNP rs2055260842, ClinGen allele CA354672820.
Genomic context (GRCh38, chr3:138,397,401, plus strand): 5'-CAGGAGGAATTCAGCGCCATGCGGGAGCAATACATGCGCACGGGGGATGGCTTCCTCATC[G>C]TCTACTCCGTCACTGACAAGGCCAGCTTTGAGCACGTGGACCGCTTCCACCAGCTTATCC-3'
Protein context (NP_001078518.1, residues 81-101): YMRTGDGFLI[Val91Leu]YSVTDKASFE

ClinVar aggregate classification (germline): Uncertain significance (1 of 4 stars; one submission).

gnomAD v4.1: 1 of 1,614,120 alleles (0.000062%); highest among the groups gnomAD compares: Non-Finnish European, 0.000085%; no homozygotes.

Submission:

Labcorp Genetics (formerly Invitae), Labcorp
Classification: Uncertain significance. Last evaluated: 2022-05-09. Review status: criteria provided, single submitter. Criteria: Invitae Variant Classification Sherloc (09022015). Collection method: clinical testing. Allele origin: germline.
Comment: This sequence change replaces valine, which is neutral and non-polar, with leucine, which is neutral and non-polar, at codon 91 of the MRAS protein (p.Val91Leu). Algorithms developed to predict the effect of missense changes on protein structure and function (SIFT, PolyPhen-2, Align-GVGD) all suggest that this variant is likely to be disruptive. This variant is not present in population databases (gnomAD no frequency). This variant has not been reported in the literature in individuals affected with MRAS-related conditions. In summary, the available evidence is currently insufficient to determine the role of this variant in disease. Therefore, it has been classified as a Variant of Uncertain Significance.